The following is an entry in ClinVar:

ClinVar aggregate classification (germline): Pathogenic. Review status: criteria provided, single submitter (1 of 4 stars). 3 submissions from 3 submitters: Pathogenic (1). 2 of the submissions do not count toward it. Last evaluated 2019-04-23.

Conditions:
Pachyonychia congenita 1 (PC1). Also called: Jadassohn Lewandowsky syndrome; KRT16-Related Pachyonychia Congenita; KRT6A-Related Pachyonychia Congenita; PACHYONYCHIA CONGENITA, LATE ONSET. Identifiers: Orphanet 2309, MedGen C1706595, MONDO:0008173, OMIM 167200.

Submissions (3):

GeneDx
Classification: Pathogenic. Last evaluated: 2019-04-23. Review status: criteria provided, single submitter. Criteria: GeneDx Variant Classification Process June 2021. Collection method: clinical testing. Allele origin: germline. Affected: yes.
Comment: Located in a critical region intolerant to change encoding the helix initiation motif (1A); this region is highly conserved across all species and among all members of the keratin family and a known hotspot for pathogenic variants; Keratin gene variants altering residues at the ends of the central rod domain of keratin proteins (helix initiation and termination motifs) interfere with proper keratin intermediate filament assembly and function, thus resulting in hyperkeratosis and cell fragility (Chamcheu et al., 2011); Not observed in large population cohorts (Lek et al., 2016); In silico analysis, which includes protein predictors and evolutionary conservation, supports a deleterious effect; This variant is associated with the following publications: (PMID: 16250206, 29784039, 31823354, 7539673, 24611874, 19785597, 21430705, 22264670, 21601946, 24357266, 30859684, 28411774)

OMIM
Classification: Pathogenic for PACHYONYCHIA CONGENITA 1. Last evaluated: 2005-10-01. Review status: no assertion criteria provided. Collection method: literature only. Allele origin: germline. Not counted in ClinVar's aggregate classification.

Epithelial Biology;  Institute of Medical Biology, Singapore
No classification provided. Review status: no classification provided. Collection method: not provided. Allele origin: not provided. Not counted in ClinVar's aggregate classification.

Literature cited by the submitters: McLean, W. H. I. Personal Communication. 1997. Philadelphia, Pa. (cited by OMIM); PubMed 16250206 (cited by OMIM).

NM_005557.4(KRT16):c.395T>C (p.Leu132Pro)

Gene: KRT16 (keratin 16; minus strand). Cytogenetic location: 17q21.2.
Variant type: single nucleotide variant.
Coding change: c.395T>C on transcript NM_005557.4 (MANE Select); coding-DNA position 395, T replaced by C.
Protein change: p.Leu132Pro; replaces leucine 132 with proline.
Molecular consequence: missense variant.
Genome position (GRCh38, 1-based): chr17:41,612,294, A>G on the plus strand (T>C on the coding strand, the complement: KRT16 is on the minus strand). VCF-style: chr17-41612294-A-G. GRCh37 (hg19) VCF-style: chr17-39768546-A-G.
Other names: short protein forms L132P.
Identifiers: ClinVar variation 14600 (VCV000014600.4), dbSNP rs60944949, ClinGen allele CA217389.